The following is an entry in ClinVar:

NM_021961.6(TEAD1):c.575G>T (p.Gly192Val)

Gene: TEAD1 (TEA domain transcription factor 1; plus strand). Cytogenetic location: 11p15.3.
Variant type: single nucleotide variant.
Coding change: c.575G>T on transcript NM_021961.6 (MANE Select); coding-DNA position 575, G replaced by T.
Protein change: p.Gly192Val; replaces glycine 192 with valine.
Molecular consequence: missense variant.
Genome position (GRCh38, 1-based): chr11:12,883,001, G>T. VCF-style: chr11-12883001-G-T. GRCh37 (hg19) VCF-style: chr11-12904548-G-T.
Other names: short protein forms G192V.
Identifiers: ClinVar variation 1945041 (VCV001945041.5), dbSNP rs1685451559, ClinGen allele CA379712639.

ClinVar aggregate classification (germline): Uncertain significance (1 of 4 stars; one submission).

gnomAD v4.1: 2 of 1,614,110 alleles (0.00012%); highest among the groups gnomAD compares: African/African-American, 0.0013%; no homozygotes.

Submission:

Labcorp Genetics (formerly Invitae), Labcorp
Classification: Uncertain significance. Last evaluated: 2022-11-15. Review status: criteria provided, single submitter. Criteria: Invitae Variant Classification Sherloc (09022015). Collection method: clinical testing. Allele origin: germline.
Comment: In summary, the available evidence is currently insufficient to determine the role of this variant in disease. Therefore, it has been classified as a Variant of Uncertain Significance. Algorithms developed to predict the effect of missense changes on protein structure and function (SIFT, PolyPhen-2, Align-GVGD) all suggest that this variant is likely to be tolerated. This variant has not been reported in the literature in individuals affected with TEAD1-related conditions. This variant is not present in population databases (gnomAD no frequency). This sequence change replaces glycine, which is neutral and non-polar, with valine, which is neutral and non-polar, at codon 192 of the TEAD1 protein (p.Gly192Val).